The following is an entry in ClinVar:

ClinVar aggregate classification (germline): Pathogenic/Likely pathogenic. Review status: criteria provided, multiple submitters, no conflicts (2 of 4 stars). 3 submissions from 3 submitters: Pathogenic (2); Likely pathogenic (1). Last evaluated 2020-11-21.

Conditions:
FBN2-related disorders.
Congenital contractural arachnodactyly (CCA). Also called: BEALS SYNDROME; Beals-Hecht syndrome; Arthrogryposis, distal, type 9. Identifiers: Orphanet 115, MedGen C0220668, MONDO:0007363, OMIM 121050.

Submissions (3):

Labcorp Genetics (formerly Invitae), Labcorp
Classification: Pathogenic for Congenital contractural arachnodactyly. Last evaluated: 2020-11-21. Review status: criteria provided, single submitter. Criteria: Invitae Variant Classification Sherloc (09022015). Collection method: clinical testing. Allele origin: germline.
Comment: This sequence change replaces cysteine with phenylalanine at codon 1156 of the FBN2 protein (p.Cys1156Phe). The cysteine residue is highly conserved and there is a large physicochemical difference between cysteine and phenylalanine. For these reasons, this allele has been classified as Pathogenic. This variant affects a cysteine residue located within an epidermal growth factor (EGF)–like domain of the FBN2 protein. Cysteine residues in these domains are involved in the formation of disulfide bridges critical for protein structure and stability (PMID: 3495735, 4750422, 16677079). In addition, missense substitutions within the FBN2 EGF-like domains affecting cysteine residues are overrepresented in patients with congenital contractural arachnodactyly (PMID: 18767143). Algorithms developed to predict the effect of missense changes on protein structure and function are either unavailable or do not agree on the potential impact of this missense change (SIFT: "Deleterious"; PolyPhen-2: "Benign"; Align-GVGD: "Class C65"). This variant has been observed in individuals with congenital contractural arachnodactyly (PMID: 19006240, Invitae). ClinVar contains an entry for this variant (Variation ID: 547356). This variant is not present in population databases (ExAC no frequency).

Blueprint Genetics
Classification: Likely pathogenic for FBN2-related disorders. Last evaluated: 2018-12-18. Review status: criteria provided, single submitter. Criteria: ACMG Guidelines, 2015. Collection method: clinical testing. Allele origin: germline. Affected: yes. Observed: 1 variant allele.

Center for Human Genetics, Inc
Classification: Pathogenic for Congenital contractural arachnodactyly. Last evaluated: 2016-11-01. Review status: criteria provided, single submitter. Criteria: ACMG Guidelines, 2015. Collection method: clinical testing. Allele origin: germline. Affected: yes.

Literature cited by the submitters: PubMed 3495735 (cited by Labcorp Genetics (formerly Invitae), Labcorp); PubMed 4750422 (cited by Labcorp Genetics (formerly Invitae), Labcorp); PubMed 16677079 (cited by Labcorp Genetics (formerly Invitae), Labcorp); PubMed 18767143 (cited by Labcorp Genetics (formerly Invitae), Labcorp); PubMed 19006240 (cited by Labcorp Genetics (formerly Invitae), Labcorp).

NM_001999.4(FBN2):c.3467G>T (p.Cys1156Phe)

Gene: FBN2 (fibrillin 2; minus strand). Cytogenetic location: 5q23.3.
Variant type: single nucleotide variant.
Coding change: c.3467G>T on transcript NM_001999.4 (MANE Select); coding-DNA position 3467, G replaced by T.
Protein change: p.Cys1156Phe; replaces cysteine 1156 with phenylalanine.
Molecular consequence: missense variant.
Genome position (GRCh38, 1-based): chr5:128,338,938, C>A on the plus strand (G>T on the coding strand, the complement: FBN2 is on the minus strand). VCF-style: chr5-128338938-C-A. GRCh37 (hg19) VCF-style: chr5-127674630-C-A.
Other names: short protein forms C1156F.
Identifiers: ClinVar variation 547356 (VCV000547356.11), dbSNP rs1206843725, ClinGen allele CA360759746.